The following is an entry in ClinVar:

ClinVar aggregate classification (germline): Likely benign (1 of 4 stars; one submission).

Allele frequency attached by ClinVar (database versions not stated): gnomAD 0.00565 and 0.00609; TOPMed 0.00649; 1000 Genomes Project 0.00659; 1000 Genomes Project 30x 0.00750.
gnomAD v4.1: 860 of 152,312 alleles (0.56%); highest among the groups gnomAD compares: African/African-American, 1.9%; 14 homozygotes.

Submission:

GeneDx
Classification: Likely benign. Last evaluated: 2018-06-19. Review status: criteria provided, single submitter. Criteria: GeneDx Variant Classification (06012015). Collection method: clinical testing. Allele origin: germline. Affected: yes.
Comment: This variant is considered likely benign or benign based on one or more of the following criteria: it is a conservative change, it occurs at a poorly conserved position in the protein, it is predicted to be benign by multiple in silico algorithms, and/or has population frequency not consistent with disease.

NM_007078.3(LDB3):c.897-164C>A

Gene: LDB3 (LIM domain binding 3; plus strand). Cytogenetic location: 10q23.2.
Variant type: single nucleotide variant.
Coding change: c.897-164C>A on transcript NM_007078.3 (MANE Select); 164 bases into the intron before coding-DNA position 897, C replaced by A.
Molecular consequence: intron variant.
Genome position (GRCh38, 1-based): chr10:86,706,367, C>A. VCF-style: chr10-86706367-C-A. GRCh37 (hg19) VCF-style: chr10-88466124-C-A.
Other names: c.897-3538C>A (NM_001368064.1, NM_001368065.1); c.1101-3538C>A (NM_001171610.2); c.756-164C>A (NM_001368066.1); c.756-3538C>A (NM_001080114.2).
Identifiers: ClinVar variation 676051 (VCV000676051.1), dbSNP rs11815273, ClinGen allele CA211196140.